The following is an entry in ClinVar:

ClinVar aggregate classification (germline): Likely pathogenic (1 of 4 stars; one submission).

Conditions:
Retinitis pigmentosa 26 (RP26). Identifiers: Orphanet 791, MedGen C1842127, MONDO:0012024, OMIM 608380.

Submission:

Natera, Inc.
Classification: Likely pathogenic for Retinitis Pigmentosa 26. Last evaluated: 2025-09-05. Review status: criteria provided, single submitter. Criteria: Natera Variant Classification Schema (03/2026). Collection method: clinical testing. Allele origin: germline.
Comment: The c.889_892del variant in CERKL is a frameshift variant predicted to shift the reading frame beginning at codon 297 and leads to a stop codon 18 codons downstream. This variant is expected to result in nonsense mediated decay, truncation, or a dysfunctional protein product. This variant is rare in the general population with a frequency below the threshold expected for the associated phenotype(s). Given the available evidence, this variant is classified as Likely Pathogenic.

NM_201548.5(CERKL):c.811_814del (p.Ile271fs)

Gene: CERKL (CERK like autophagy regulator; minus strand). Cytogenetic location: 2q31.3.
Variant type: Deletion.
Coding change: c.811_814del on transcript NM_201548.5 (MANE Select); coding-DNA positions 811 to 814, 4 bases deleted (ATAC; older notation c.811_814delATAC).
Protein change: p.Ile271fs; shifts the reading frame from isoleucine 271.
Molecular consequence: frameshift variant. On other transcripts: non-coding transcript variant (2), intron variant (2).
Genome position (GRCh38, 1-based): chr2:181,558,572-181,558,575, GTAT deleted on the plus strand (ATAC on the coding strand, the reverse complement: CERKL is on the minus strand). VCF-style (leftmost placement, unchanged base first): chr2-181558571-GGTAT-G. GRCh37 (hg19) VCF-style: chr2-182423298-GGTAT-G.
Other names: c.889_892del, p.Ile297fs (NM_001030311.3); c.757_760del, p.Ile253fs (NM_001160277.2); c.482-8867_482-8864del (NM_001030312.3); c.614-8867_614-8864del (NM_001030313.3); short protein forms I253fs, I271fs, I297fs.
Identifiers: ClinVar variation 4814542 (VCV004814542.1).